The following is an entry in ClinVar:

ClinVar aggregate classification (germline): Uncertain significance. Review status: criteria provided, multiple submitters, no conflicts (2 of 4 stars). 2 submissions from 2 submitters: Uncertain significance (2). Last evaluated 2023-02-23.

Conditions:
Cryptosporidiosis-chronic cholangitis-liver disease syndrome. Also called: IL21R immunodeficiency; Immunodeficiency type 56. Identifiers: Orphanet 357329, MedGen C3554687, MONDO:0014082, OMIM 615207.
IL21R-related disorder. Also called: IL21R-related condition.

Allele frequency attached by ClinVar (database versions not stated): TOPMed below 0.00001; gnomAD 0.00001.

Submissions (2):

PreventionGenetics, part of Exact Sciences
Classification: Uncertain significance for IL21R-related condition. Last evaluated: 2023-02-23. Review status: criteria provided, single submitter. Criteria: ACMG Guidelines, 2015. Collection method: clinical testing. Allele origin: germline.
Comment: The IL21R c.260A>G variant is predicted to result in the amino acid substitution p.His87Arg. To our knowledge, this variant has not been reported in the literature or in a large population database, indicating this variant is rare. At this time, the clinical significance of this variant is uncertain due to the absence of conclusive functional and genetic evidence.

Labcorp Genetics (formerly Invitae), Labcorp
Classification: Uncertain significance for Cryptosporidiosis-chronic cholangitis-liver disease syndrome. Last evaluated: 2021-08-27. Review status: criteria provided, single submitter. Criteria: Invitae Variant Classification Sherloc (09022015). Collection method: clinical testing. Allele origin: germline.
Comment: This sequence change replaces histidine with arginine at codon 87 of the IL21R protein (p.His87Arg). The histidine residue is weakly conserved and there is a small physicochemical difference between histidine and arginine. This variant is not present in population databases (ExAC no frequency). This variant has not been reported in the literature in individuals affected with IL21R-related conditions. Algorithms developed to predict the effect of missense changes on protein structure and function output the following: SIFT: "Tolerated"; PolyPhen-2: "Benign"; Align-GVGD: "Class C0". The arginine amino acid residue is found in multiple mammalian species, which suggests that this missense change does not adversely affect protein function. In summary, the available evidence is currently insufficient to determine the role of this variant in disease. Therefore, it has been classified as a Variant of Uncertain Significance.

NM_181078.3(IL21R):c.260A>G (p.His87Arg)

Gene: IL21R (interleukin 21 receptor; plus strand). Cytogenetic location: 16p12.1.
Variant type: single nucleotide variant.
Coding change: c.260A>G on transcript NM_181078.3 (MANE Select); coding-DNA position 260, A replaced by G.
Protein change: p.His87Arg; replaces histidine 87 with arginine.
Molecular consequence: missense variant.
Genome position (GRCh38, 1-based): chr16:27,437,595, A>G. VCF-style: chr16-27437595-A-G. GRCh37 (hg19) VCF-style: chr16-27448916-A-G.
Other names: c.260A>G, p.His87Arg (NM_021798.4); c.326A>G, p.His109Arg (NM_181079.5); short protein forms H87R, H109R.
Identifiers: ClinVar variation 856792 (VCV000856792.8), dbSNP rs1439154337, ClinGen allele CA395300000.